The following is an entry in ClinVar:

ClinVar aggregate classification (germline): Conflicting classifications of pathogenicity. Review status: criteria provided, conflicting classifications (1 of 4 stars). 12 submissions from 12 submitters: Uncertain significance (5); Likely benign (5). 2 of the submissions do not count toward it. Last evaluated 2026-02-13.

Conditions:
VPS13B-related disorder. Also called: VPS13B-related condition.
Inborn genetic diseases. Identifiers: MedGen C0950123, MeSH D030342.
Cohen syndrome (COH1). Also called: PEPPER SYNDROME; Cutis verticis gyrata, retinitis pigmentosa, and sensorineural deafness. Identifiers: Orphanet 193, MedGen C0265223, MONDO:0008999, OMIM 216550.

Submissions (12):

Women's Health and Genetics/Laboratory Corporation of America, LabCorp
Classification: Likely benign. Last evaluated: 2026-02-13. Review status: criteria provided, single submitter. Criteria: LabCorp Variant Classification Summary - May 2015. Collection method: clinical testing. Allele origin: germline.
Comment: Variant summary: VPS13B c.11825_11827dupATG (p.Asp3942dup) results in an in-frame duplication that is predicted to duplicate 1 amino acid into the encoded protein. The variant allele was found at a frequency of 0.00039 in 250636 control chromosomes, predominantly at a frequency of 0.0043 within the African or African-American subpopulation in the gnomAD database, including 1 homozygotes. The observed variant frequency within African or African-American control individuals in the gnomAD database exceeds the estimated maximal expected allele frequency for disease-causing variants in VPS13B. c.11825_11827dupATG has been observed in individuals affected with Cohen syndrome but without evidence for causality (Rivera-Brugus_2011, Dieiro_2020). These report(s) do not provide unequivocal conclusions about association of the variant with Cohen syndrome. To our knowledge, no experimental evidence demonstrating an impact on protein function has been reported. The following publications have been ascertained in the context of this evaluation (PMID: 32483926, 20921020). ClinVar contains an entry for this variant (Variation ID: 56642). Based on the evidence outlined above, the variant was classified as likely benign.

Labcorp Genetics (formerly Invitae), Labcorp
Classification: Likely benign for Cohen syndrome. Last evaluated: 2026-01-27. Review status: criteria provided, single submitter. Criteria: Invitae Variant Classification Sherloc (09022015). Collection method: clinical testing. Allele origin: germline.

CeGaT Center for Human Genetics Tuebingen
Classification: Likely benign. Last evaluated: 2025-09-01. Review status: criteria provided, single submitter. Criteria: CeGaT Center For Human Genetics Tuebingen Variant Classification Criteria Version 2. Collection method: clinical testing. Allele origin: germline. Affected: yes. Observed: 1 variant allele.
Comment: VPS13B: BS2

Blueprint Genetics
Classification: Likely benign. Last evaluated: 2024-11-06. Review status: criteria provided, single submitter. Criteria: ACMG Guidelines, 2015. Collection method: clinical testing. Allele origin: germline.

Center for Genomics, Ann and Robert H. Lurie Children's Hospital of Chicago
Classification: Uncertain significance for Cohen syndrome. Last evaluated: 2021-09-17. Review status: criteria provided, single submitter. Criteria: ACMG Guidelines, 2015. Collection method: clinical testing. Allele origin: germline.
Comment: VPS13B NM_017890.4 exon 62 p.Asp3942_dup (c.11825_11827dupATG): This variant has been reported in the literature as a compound heterozygote (in trans with a multi-exon deletion of this gene) in 1 individual with a diagnosis of Cohen syndrome (Rivera-Brugues 2011 PMID:20921020, gene identified as alternate name COH1). However, this variant is present in 0.4% (100/24024) of African alleles in the Genome Aggregation Database. This variant is present in ClinVar (Variation ID:56642). Evolutionary conservation and computational predictive tools for this variant are limited or unavailable. This variant represents a duplication of 1 amino acid at position 3942 and is not predicted to alter the reading frame. However, the effect of this variant on the protein is unclear. In summary, data on this variant is insufficient for disease classification. Therefore, the clinical significance of this variant is uncertain.

GeneDx
Classification: Likely benign. Last evaluated: 2021-02-26. Review status: criteria provided, single submitter. Criteria: GeneDx Variant Classification Process June 2021. Collection method: clinical testing. Allele origin: germline. Affected: yes.
Comment: In-frame insertion of one amino acid in a non-repeat region; Reported previously using alternate nomenclature (c.1827_11828insATG) in an individual with developmental delay, cardiac defects, and dysmorphic features who harbored a partial gene deletion on the opposite allele (in trans) (Rivera-Brugues et al., 2011); This variant is associated with the following publications: (PMID: 20921020)

Revvity Omics, Revvity
Classification: Uncertain significance for Cohen syndrome. Last evaluated: 2019-08-06. Review status: criteria provided, single submitter. Criteria: ACMG Guidelines, 2015. Collection method: clinical testing. Allele origin: germline.

Mendelics
Classification: Uncertain significance for Cohen syndrome. Last evaluated: 2019-05-28. Review status: criteria provided, single submitter. Criteria: Mendelics Assertion Criteria 2017. Collection method: clinical testing. Allele origin: unknown.

Ambry Genetics
Classification: Uncertain significance for Inborn genetic diseases. Last evaluated: 2018-12-07. Review status: criteria provided, single submitter. Criteria: Ambry Variant Classification Scheme 2023. Collection method: clinical testing. Allele origin: germline.
Comment: The c.11825_11827dupATG variant (also known as p.D3942dup), located in coding exon 61 of the VPS13B gene, results from an in-frame duplication of ATG at nucleotide positions 11825 to 11827. This results in the duplication of an aspartate residue between codons 3942 and 3943. This duplication (reported as p.D3942_G3943insD) was detected in compound heterozygous state with a gross deletion encompassing exons 1 to 17 of VPS13B and exon 4 of ORS2 in a patient with developmental delay and cardiac defect (Rivera-Brugu&eacute;s N et al. J. Med. Genet., 2011 Feb;48:136-40). This amino acid position is highly conserved in available vertebrate species. In addition, this alteration is predicted to be neutral by PROVEAN in silico analysis (Choi Y et al., PLoS ONE 2012; 7(10):e46688). Since supporting evidence is limited at this time, the clinical significance of this variant remains unclear.

Eurofins Ntd Llc (ga)
Classification: Uncertain significance. Last evaluated: 2013-10-04. Review status: criteria provided, single submitter. Criteria: EGL Classification Definitions. Collection method: clinical testing. Allele origin: germline. Observed: 1 variant allele, 1 heterozygote.

PreventionGenetics, part of Exact Sciences
Classification: Likely benign for VPS13B-related condition. Last evaluated: 2022-03-18. Review status: no assertion criteria provided. Collection method: clinical testing. Allele origin: germline. Not counted in ClinVar's aggregate classification.
Comment: This variant is classified as likely benign based on ACMG/AMP sequence variant interpretation guidelines (Richards et al. 2015 PMID: 25741868, with internal and published modifications).

Juha Muilu Group; Institute for Molecular Medicine Finland (FIMM)
Classification: Likely pathogenic for Cohen syndrome. Review status: no assertion criteria provided. Collection method: not provided. Allele origin: unknown. Not counted in ClinVar's aggregate classification.
Comment: FinDis database variant: This variant was not found or characterized by our laboratory, data were collected from public sources: see reference
ClinVar note: Converted during submission from probable-pathogenic to Likely pathogenic.

Literature cited by the submitters: PubMed 32483926 (cited by Women's Health and Genetics/Laboratory Corporation of America, LabCorp); PubMed 20921020 (cited by 3 submitters); PubMed 23757202 (cited by Eurofins Ntd Llc (ga)).

NM_152564.5(VPS13B):c.11750_11752dup (p.Asp3917dup)

Gene: VPS13B (vacuolar protein sorting 13 homolog B; plus strand). Cytogenetic location: 8q22.2.
Variant type: Duplication.
Coding change: c.11750_11752dup on transcript NM_152564.5 (MANE Select); coding-DNA positions 11750 to 11752, 3 bases duplicated (ATG; older notation c.11750_11752dupATG).
Protein change: p.Asp3917dup; duplicates aspartic acid 3917.
Molecular consequence: inframe insertion.
Genome position (GRCh38, 1-based): chr8:99,875,422-99,875,424, ATG duplicated; duplicating any 3 consecutive bases within chr8:99,875,421-99,875,424 gives the same sequence; the c. name uses the placement nearest the transcript's 3' end. VCF-style (leftmost placement, unchanged base first): chr8-99875420-A-AGAT. GRCh37 (hg19) VCF-style: chr8-100887648-A-AGAT.
Other names: c.11825_11827dupATG (NM_017890.4, NM_017890.5); c.11825_11827dup, p.Asp3942dup (NM_017890.5); c.11750_11752dupATG (NM_152564.4).
Identifiers: ClinVar variation 56642 (VCV000056642.73), dbSNP rs386834068, ClinGen allele CA223354.